The following is an entry in ClinVar:

ClinVar aggregate classification (germline): Uncertain significance (1 of 4 stars; one submission).

Conditions:
Hereditary spastic paraplegia 11. Also called: Nakamura Osame syndrome; Autosomal recessive hereditary spastic paraplegia, mental impairment, and thin corpus callosum; SPASTIC PARAPLEGIA, AUTOSOMAL RECESSIVE, COMPLICATED, WITH THIN CORPUS CALLOSUM; SPASTIC PARAPLEGIA, AUTOSOMAL RECESSIVE, WITH MENTAL IMPAIRMENT AND THIN CORPUS CALLOSUM; Spastic paraplegia, mental retardation and thin corpus callosum; Spastic Paraplegia 11. Identifiers: Orphanet 2822, MedGen C1858479, MONDO:0011445, OMIM 604360.

Submission:

Labcorp Genetics (formerly Invitae), Labcorp
Classification: Uncertain significance for Hereditary spastic paraplegia 11. Last evaluated: 2021-08-31. Review status: criteria provided, single submitter. Criteria: Invitae Variant Classification Sherloc (09022015). Collection method: clinical testing. Allele origin: germline.
Comment: This sequence change replaces histidine with aspartic acid at codon 2259 of the SPG11 protein (p.His2259Asp). The histidine residue is weakly conserved and there is a moderate physicochemical difference between histidine and aspartic acid. This variant is not present in population databases (ExAC no frequency). This variant has not been reported in the literature in individuals affected with SPG11-related conditions. Algorithms developed to predict the effect of missense changes on protein structure and function (SIFT, PolyPhen-2, Align-GVGD) all suggest that this variant is likely to be tolerated. In summary, the available evidence is currently insufficient to determine the role of this variant in disease. Therefore, it has been classified as a Variant of Uncertain Significance.

NM_025137.4(SPG11):c.6775C>G (p.His2259Asp)

Gene: SPG11 (SPG11 vesicle trafficking associated, spatacsin; minus strand). Cytogenetic location: 15q21.1.
Variant type: single nucleotide variant.
Coding change: c.6775C>G on transcript NM_025137.4 (MANE Select); coding-DNA position 6775, C replaced by G.
Protein change: p.His2259Asp; replaces histidine 2259 with aspartic acid.
Molecular consequence: missense variant.
Genome position (GRCh38, 1-based): chr15:44,566,285, G>C on the plus strand (C>G on the coding strand, the complement: SPG11 is on the minus strand). VCF-style: chr15-44566285-G-C. GRCh37 (hg19) VCF-style: chr15-44858483-G-C.
Other names: c.6436C>G, p.His2146Asp (NM_001160227.2); short protein forms H2146D, H2259D.
Identifiers: ClinVar variation 849715 (VCV000849715.7), dbSNP rs2082307117, ClinGen allele CA392213880.